The following is an entry in ClinVar:

NM_000038.6(APC):c.1068C>T (p.Leu356=)

Gene: APC (APC regulator of Wnt signaling pathway; plus strand). Cytogenetic location: 5q22.2.
Variant type: single nucleotide variant.
Coding change: c.1068C>T on transcript NM_000038.6 (MANE Select); coding-DNA position 1068, C replaced by T.
Protein change: p.Leu356=; no amino-acid change (leucine 356 retained).
Molecular consequence: synonymous variant. On other transcripts: intron variant (4).
Genome position (GRCh38, 1-based): chr5:112,819,100, C>T. VCF-style: chr5-112819100-C-T. GRCh37 (hg19) VCF-style: chr5-112154797-C-T.
Other names: c.1068C>T, p.Leu356= (NM_001127510.3, NM_001354895.2, NM_001354896.2); c.1014C>T, p.Leu338= (NM_001127511.3); c.1098C>T, p.Leu366= (NM_001354897.2); c.993C>T, p.Leu331= (NM_001354898.2); c.984C>T, p.Leu328= (NM_001354899.2); c.891C>T, p.Leu297= (NM_001354900.2, NM_001354901.2); c.219C>T, p.Leu73= (NM_001354906.2); c.964-169C>T (NM_001354902.2); and 3 more.
Identifiers: ClinVar variation 1122192 (VCV001122192.52), dbSNP rs765876939, ClinGen allele CA026665.

ClinVar aggregate classification (germline): Benign/Likely benign. Review status: criteria provided, multiple submitters, no conflicts (2 of 4 stars). 4 submissions from 4 submitters: Benign (1); Likely benign (3). Last evaluated 2025-08-01.

Conditions:
Familial adenomatous polyposis 1 (FAP1). Also called: POLYPOSIS, ADENOMATOUS INTESTINAL; FAMILIAL ADENOMATOUS POLYPOSIS 1, ATTENUATED. Identifiers: MedGen C2713442, MONDO:0021056, OMIM 175100. Disease mechanism: loss of function.
Hereditary cancer-predisposing syndrome. Also called: Hereditary neoplastic syndrome; Neoplastic Syndromes, Hereditary; Tumor predisposition; Hereditary Cancer Syndrome. Identifiers: Orphanet 140162, MedGen C0027672, MeSH D009386, MONDO:0015356.

Allele frequency attached by ClinVar (database versions not stated): gnomAD exomes below 0.00001; TOPMed below 0.00001; ExAC 0.00001.

Submissions (4):

Ambry Genetics
Classification: Likely benign for Hereditary cancer-predisposing syndrome. Last evaluated: 2025-08-01. Review status: criteria provided, single submitter. Criteria: Ambry Variant Classification Scheme 2023. Collection method: clinical testing. Allele origin: germline.

Labcorp Genetics (formerly Invitae), Labcorp
Classification: Likely benign for Familial adenomatous polyposis 1. Last evaluated: 2024-08-27. Review status: criteria provided, single submitter. Criteria: Invitae Variant Classification Sherloc (09022015). Collection method: clinical testing. Allele origin: germline.

Myriad Genetics, Inc.
Classification: Benign for Familial adenomatous polyposis 1. Last evaluated: 2024-02-29. Review status: criteria provided, single submitter. Criteria: Myriad Autosomal Dominant, Autosomal Recessive and X-Linked Classification Criteria (2023). Collection method: clinical testing. Allele origin: unknown.
Comment: This variant is considered benign. This variant is a silent/synonymous amino acid change and it is not expected to impact splicing.

Color Diagnostics, LLC DBA Color Health
Classification: Likely benign for Hereditary cancer-predisposing syndrome. Last evaluated: 2020-11-16. Review status: criteria provided, single submitter. Criteria: ACMG Guidelines, 2015. Collection method: clinical testing. Allele origin: germline.